The following continues an entry in ClinVar:

NM_007294.4(BRCA1):c.5252G>A (p.Arg1751Gln)

Gene: BRCA1. ClinVar aggregate classification (germline): Benign. Benign (1).

Submissions 16 to 21 of 21:

Counsyl
Classification: Benign for Breast-ovarian cancer, familial, susceptibility to, 1. Last evaluated: 2016-06-14. Review status: no assertion criteria provided. Collection method: clinical testing. Allele origin: unknown. Not counted in ClinVar's aggregate classification.

CSER _CC_NCGL, University of Washington
Classification: Uncertain significance for Breast and/or ovarian cancer. Last evaluated: 2014-06-01. Review status: no assertion criteria provided. Collection method: research. Allele origin: germline. Inheritance: Autosomal dominant inheritance. Study: ESP 6500 variant annotation. Not counted in ClinVar's aggregate classification.
Comment: Variants classified for the Actionable exomic incidental findings in 6503 participants: challenges of variant classification manuscript

Research Molecular Genetics Laboratory, Women's College Hospital, University of Toronto
Classification: Benign. Last evaluated: 2014-01-31. Review status: no assertion criteria provided. Collection method: research. Allele origin: germline. Affected: yes. Study: The Canadian Open Genetics Repository (COGR). Not counted in ClinVar's aggregate classification.

Breast Cancer Information Core (BIC) (BRCA1)
Classification: Uncertain significance for Breast-ovarian cancer, familial 1. Last evaluated: 2002-05-29. Review status: no assertion criteria provided. Collection method: clinical testing. Allele origin: germline. Affected: yes. Observed: 7 variant alleles. Not counted in ClinVar's aggregate classification.

Brotman Baty Institute, University of Washington
No classification provided (evidence only). Condition: Breast-ovarian cancer, familial 1. Review status: no classification provided. Collection method: in vitro. Allele origin: not applicable. Functional consequence: functionally_normal. Not counted in ClinVar's aggregate classification.
ClinVar note: "not provided" was previously submitted as the classification for the variant. However, the classification appeared to be based only on an observation of functional data so it was converted to no classification on 2025-07-30.

Department of Pathology and Laboratory Medicine, Sinai Health System
Classification: Likely benign for breast cancer. Review status: no assertion criteria provided. Collection method: clinical testing. Allele origin: unknown. Affected: yes. Study: The Canadian Open Genetics Repository (COGR). Not counted in ClinVar's aggregate classification.
Comment: The BRCA1 p.Arg1751Gln variant was identified in 6 of 96558 proband chromosomes (frequency: 0.000062) from individuals with breast cancer (Shimelis_2017_28283652, Gad_2002_ 12360411). The variant was found to not be associated with breast cancer in a large case-control study (Shimelis_2017_28283652). Co-occurrences with other pathogenic variant(s) have been reported (BRCA2 c.8346G>A, p.Trp2788X), providing supporting evidence for a benign role (Integrated Genetics ClinVar submission, SCV000699228.2). The variant was identified in dbSNP (ID: rs80357442), ClinVar (Benign, 3 stars, reviewed by expert panel. Classified as benign by ENIGMA in 2015, Counsyl in 2016, Mendelics in 2019, Ambry in 2014, Women's College in 2014. Classified as likely benign by Quest Diagnostics in 2018, GeneDx in 2017, Invitae in 2019, Integrated Genetics in 2018, Color in 2016, CHEO in 2017. VUS by Mount Sinai, BIC, CSER), Cosmic (Identified in tissue from carcinoma of the breast), LOVD 3.0 (VUS, unclassified, benign), ARUP Laboratories (1 - Not pathogenic or of no clinical significance) databases. The variant was identified in control databases in 10 of 282888 chromosomes at a frequency of 0.00003535 (Genome Aggregation Database March 6, 2019, v2.1.1). The variant was observed in the following populations: Latino in 2 of 35440 chromosomes (freq: 0.000056), European (non-Finnish) in 7 of 129194 chromosomes (freq: 0.000054), African in 1 of 24966 chromosomes (freq: 0.00004), but was not observed in the Ashkenazi Jewish, East Asian, European (Finnish), Other, or South Asian populations. This variant is located in the Brca1 C-terminal (BRCT) domain; a domain that is involved in double-strand break repair. Multiple functional studies suggest the variant is neutral, though one suggested it may result in susceptibility to proteolysis (Petitalot_2019_30257991, Lee_2010_ 20516115, Rowling_2010_20378548, Williams_2004_ 15172985, Thouvenot_2016_ 27802165, Lodovichi_2016_27484786, Mirkovic_2004_ 15172985). The variant occurs outside of the splicing consensus sequence and in silico or computational prediction software programs (SpliceSiteFinder, MaxEntScan, NNSPLICE, GeneSplicer) do not predict a difference in splicing. In summary, based on the above information the clinical significance of this variant cannot be determined with certainty at this time although we would lean towards a more benign role for this variant. This variant is classified as likely benign.

Literature cited by the submitters: PubMed 21990134 (cited by 3 submitters); PubMed 27484786 (cited by Quest Diagnostics Nichols Institute San Juan Capistrano and Women's Health and Genetics/Laboratory Corporation of America, LabCorp); PubMed 27802165 (cited by Quest Diagnostics Nichols Institute San Juan Capistrano); PubMed 28781887 (cited by Quest Diagnostics Nichols Institute San Juan Capistrano); PubMed 30257991 (cited by Quest Diagnostics Nichols Institute San Juan Capistrano); PubMed 15350310 (cited by Quest Diagnostics Nichols Institute San Juan Capistrano); PubMed 25637381 (cited by Quest Diagnostics Nichols Institute San Juan Capistrano and Illumina Laboratory Services, Illumina); PubMed 22753008 (cited by Quest Diagnostics Nichols Institute San Juan Capistrano); PubMed 19471317 (cited by Quest Diagnostics Nichols Institute San Juan Capistrano and Women's Health and Genetics/Laboratory Corporation of America, LabCorp); PubMed 11927492 (cited by Quest Diagnostics Nichols Institute San Juan Capistrano); PubMed 33087888 (cited by Quest Diagnostics Nichols Institute San Juan Capistrano); PubMed 33471991 (cited by Quest Diagnostics Nichols Institute San Juan Capistrano); PubMed 37085799 (cited by Quest Diagnostics Nichols Institute San Juan Capistrano); PubMed 28283652 (cited by Quest Diagnostics Nichols Institute San Juan Capistrano and Women's Health and Genetics/Laboratory Corporation of America, LabCorp); PubMed 30209399 (cited by Quest Diagnostics Nichols Institute San Juan Capistrano and Women's Health and Genetics/Laboratory Corporation of America, LabCorp); PubMed 32123317 (cited by Quest Diagnostics Nichols Institute San Juan Capistrano); PubMed 30765603 (cited by Quest Diagnostics Nichols Institute San Juan Capistrano); PubMed 15172985 (cited by Quest Diagnostics Nichols Institute San Juan Capistrano and Women's Health and Genetics/Laboratory Corporation of America, LabCorp); PubMed 16528612 (cited by Quest Diagnostics Nichols Institute San Juan Capistrano); PubMed 17924331 (cited by 3 submitters); PubMed 14534301 (cited by 3 submitters); PubMed 15133503 (cited by Quest Diagnostics Nichols Institute San Juan Capistrano); PubMed 11877378 (cited by Quest Diagnostics Nichols Institute San Juan Capistrano and Women's Health and Genetics/Laboratory Corporation of America, LabCorp); PubMed 17305420 (cited by Quest Diagnostics Nichols Institute San Juan Capistrano and Illumina Laboratory Services, Illumina); PubMed 20516115 (cited by 4 submitters); PubMed 20378548 (cited by 3 submitters); PubMed 12360411 (cited by 3 submitters); PubMed 24055113 (cited by 3 submitters); PubMed 21447777 (cited by Quest Diagnostics Nichols Institute San Juan Capistrano and Illumina Laboratory Services, Illumina); PubMed 16267036 (cited by Women's Health and Genetics/Laboratory Corporation of America, LabCorp); PubMed 9150149 (cited by Women's Health and Genetics/Laboratory Corporation of America, LabCorp and Counsyl); PubMed 18528753 (cited by Women's Health and Genetics/Laboratory Corporation of America, LabCorp); PubMed 8602198 (cited by Women's Health and Genetics/Laboratory Corporation of America, LabCorp); PubMed 27272900 (cited by Women's Health and Genetics/Laboratory Corporation of America, LabCorp); PubMed 25782689 (cited by Illumina Laboratory Services, Illumina).